The following is an entry in ClinVar:

NM_002693.3(POLG):c.1606G>T (p.Glu536Ter)

Gene: POLG (DNA polymerase gamma, catalytic subunit; minus strand). Cytogenetic location: 15q26.1.
Variant type: single nucleotide variant.
Coding change: c.1606G>T on transcript NM_002693.3 (MANE Select); coding-DNA position 1606, G replaced by T.
Protein change: p.Glu536Ter; replaces glutamic acid 536 with a stop codon.
Molecular consequence: nonsense.
Genome position (GRCh38, 1-based): chr15:89,326,718, C>A on the plus strand (G>T on the coding strand, the complement: POLG is on the minus strand). VCF-style: chr15-89326718-C-A. GRCh37 (hg19) VCF-style: chr15-89869949-C-A.
Other names: c.1606G>T, p.Glu536Ter (NM_001126131.2); short protein forms E536*.
Identifiers: ClinVar variation 2501135 (VCV002501135.2), dbSNP rs369549749, ClinGen allele CA393760642.

ClinVar aggregate classification (germline): Pathogenic (1 of 4 stars; one submission).

Conditions:
POLG-related disorder. Also called: POLG-Related Spectrum Disorders; POLG-related condition; POLG-Related Disorders. Identifiers: MedGen C4763519.

Submission:

Women's Health and Genetics/Laboratory Corporation of America, LabCorp
Classification: Pathogenic for POLG-related disorder. Last evaluated: 2024-08-02. Review status: criteria provided, single submitter. Criteria: LabCorp Variant Classification Summary - May 2015. Collection method: clinical testing. Allele origin: germline.
Comment: Variant summary: POLG c.1606G>T (p.Glu536X) results in a premature termination codon, predicted to cause absence of the protein due to nonsense mediated decay, which is a commonly known mechanism for disease. The variant was absent in 251372 control chromosomes (gnomAD). To our knowledge, no occurrence of c.1606G>T in individuals affected with POLG-Related Spectrum Disorders and no experimental evidence demonstrating its impact on protein function have been reported. ClinVar contains an entry for this variant (Variation ID: 2501135). Based on the evidence outlined above, the variant was classified as pathogenic.